The following is an entry in ClinVar:

ClinVar aggregate classification (germline): Uncertain significance (1 of 4 stars; one submission).

Submission:

Labcorp Genetics (formerly Invitae), Labcorp
Classification: Uncertain significance. Last evaluated: 2024-10-28. Review status: criteria provided, single submitter. Criteria: Invitae Variant Classification Sherloc (09022015). Collection method: clinical testing. Allele origin: germline.
Comment: This sequence change replaces asparagine, which is neutral and polar, with lysine, which is basic and polar, at codon 615 of the SAMD9 protein (p.Asn615Lys). This variant is not present in population databases (gnomAD no frequency). This variant has not been reported in the literature in individuals affected with SAMD9-related conditions. ClinVar contains an entry for this variant (Variation ID: 2129729). Invitae Evidence Modeling of protein sequence and biophysical properties (such as structural, functional, and spatial information, amino acid conservation, physicochemical variation, residue mobility, and thermodynamic stability) has been performed for this missense variant. However, the output from this modeling did not meet the statistical confidence thresholds required to predict the impact of this variant on SAMD9 protein function. In summary, the available evidence is currently insufficient to determine the role of this variant in disease. Therefore, it has been classified as a Variant of Uncertain Significance.

NM_017654.4(SAMD9):c.1845T>G (p.Asn615Lys)

Gene: SAMD9 (sterile alpha motif domain containing 9; minus strand). Cytogenetic location: 7q21.2.
Variant type: single nucleotide variant.
Coding change: c.1845T>G on transcript NM_017654.4 (MANE Select); coding-DNA position 1845, T replaced by G.
Protein change: p.Asn615Lys; replaces asparagine 615 with lysine.
Molecular consequence: missense variant.
Genome position (GRCh38, 1-based): chr7:93,104,253, A>C on the plus strand (T>G on the coding strand, the complement: SAMD9 is on the minus strand). VCF-style: chr7-93104253-A-C. GRCh37 (hg19) VCF-style: chr7-92733566-A-C.
Other names: c.1845T>G, p.Asn615Lys (NM_001193307.2); short protein forms N615K.
Identifiers: ClinVar variation 2129729 (VCV002129729.4), dbSNP rs2535359705, ClinGen allele CA368194413.